The following is an entry in ClinVar:

NM_001353214.3(DYM):c.1694C>T (p.Ser565Leu)

Gene: DYM (dymeclin; minus strand). Cytogenetic location: 18q21.1.
Variant type: single nucleotide variant.
Coding change: c.1694C>T on transcript NM_001353214.3 (MANE Select); coding-DNA position 1694, C replaced by T.
Protein change: p.Ser565Leu; replaces serine 565 with leucine.
Molecular consequence: missense variant.
Genome position (GRCh38, 1-based): chr18:49,163,719, G>A on the plus strand (C>T on the coding strand, the complement: DYM is on the minus strand). VCF-style: chr18-49163719-G-A. GRCh37 (hg19) VCF-style: chr18-46690089-G-A.
Other names: c.1526C>T, p.Ser509Leu (NM_001353210.3, NM_001353211.3, NM_001374435.1 and 1 more transcripts); c.1691C>T, p.Ser564Leu (NM_001353212.3, NM_001353213.3); c.1694C>T, p.Ser565Leu (NM_001353215.3, NM_001374428.1, NM_001374430.1 and 1 more transcripts); c.1529C>T, p.Ser510Leu (NM_001353216.3, NM_001374433.1, NM_001374434.1 and 1 more transcripts); c.1688C>T, p.Ser563Leu (NM_001374429.1); c.1568C>T, p.Ser523Leu (NM_001374432.1); c.1403C>T, p.Ser468Leu (NM_001374436.1); c.1346C>T, p.Ser449Leu (NM_001374437.1); and 5 more; short protein forms S319L, S320L, S375L, S434L, S449L, S468L, S508L, S509L.
Identifiers: ClinVar variation 1723359 (VCV001723359.6), dbSNP rs781066600, ClinGen allele CA8958053.

ClinVar aggregate classification (germline): Uncertain significance. Review status: criteria provided, multiple submitters, no conflicts (2 of 4 stars). 3 submissions from 3 submitters: Uncertain significance (3). Last evaluated 2024-11-19.

Allele frequency attached by ClinVar (database versions not stated): ExAC 0.00001; gnomAD exomes 0.00001; gnomAD 0.00003; TOPMed 0.00003.
gnomAD v4.1: 23 of 1,612,428 alleles (0.0014%); highest among the groups gnomAD compares: African/African-American, 0.008%; no homozygotes.

Submissions (3):

Labcorp Genetics (formerly Invitae), Labcorp
Classification: Uncertain significance. Last evaluated: 2024-11-19. Review status: criteria provided, single submitter. Criteria: Invitae Variant Classification Sherloc (09022015). Collection method: clinical testing. Allele origin: germline.
Comment: This sequence change replaces serine, which is neutral and polar, with leucine, which is neutral and non-polar, at codon 510 of the DYM protein (p.Ser510Leu). This variant is present in population databases (rs781066600, gnomAD 0.01%). This missense change has been observed in individual(s) with neurodevelopment disorders (PMID: 33057194). ClinVar contains an entry for this variant (Variation ID: 1723359). An algorithm developed to predict the effect of missense changes on protein structure and function (PolyPhen-2) suggests that this variant is likely to be tolerated. In summary, the available evidence is currently insufficient to determine the role of this variant in disease. Therefore, it has been classified as a Variant of Uncertain Significance.

Blueprint Genetics
Classification: Uncertain significance. Last evaluated: 2022-12-02. Review status: criteria provided, single submitter. Criteria: ACMG Guidelines, 2015. Collection method: clinical testing. Allele origin: germline.

Women's Health and Genetics/Laboratory Corporation of America, LabCorp
Classification: Uncertain significance. Last evaluated: 2022-10-20. Review status: criteria provided, single submitter. Criteria: LabCorp Variant Classification Summary - May 2015. Collection method: clinical testing. Allele origin: germline.
Comment: Variant summary: DYM c.1529C>T (p.Ser510Leu) results in a non-conservative amino acid change in the encoded protein sequence. Three of five in-silico tools predict a benign effect of the variant on protein function. The variant allele was found at a frequency of 1.2e-05 in 249606 control chromosomes. The available data on variant occurrences in the general population are insufficient to allow any conclusion about variant significance. To our knowledge, no occurrence of c.1529C>T in individuals affected with Dyggve-Melchior Disease and no experimental evidence demonstrating its impact on protein function have been reported. No clinical diagnostic laboratories have submitted clinical-significance assessments for this variant to ClinVar after 2014. Based on the evidence outlined above, the variant was classified as uncertain significance.

Literature cited by the submitters: PubMed 33057194 (cited by Labcorp Genetics (formerly Invitae), Labcorp).